The following is an entry in ClinVar:

NM_003482.4(KMT2D):c.5387G>A (p.Arg1796Gln)

Gene: KMT2D (lysine methyltransferase 2D; minus strand). Cytogenetic location: 12q13.12.
Variant type: single nucleotide variant.
Coding change: c.5387G>A on transcript NM_003482.4 (MANE Select); coding-DNA position 5387, G replaced by A.
Protein change: p.Arg1796Gln; replaces arginine 1796 with glutamine.
Molecular consequence: missense variant.
Genome position (GRCh38, 1-based): chr12:49,043,715, C>T on the plus strand (G>A on the coding strand, the complement: KMT2D is on the minus strand). VCF-style: chr12-49043715-C-T. GRCh37 (hg19) VCF-style: chr12-49437498-C-T.
Other names: short protein forms R1796Q.
Identifiers: ClinVar variation 2573913 (VCV002573913.6), dbSNP rs1223905716, ClinGen allele CA384633369.
Genomic context (GRCh38, chr12:49,043,715, plus strand): 5'-TCCTTCCTTTCTGAGCCTCCATCTCCCTTGGCTTTTGGGGTCCCTAGTCCAAAGCTTGGC[C>T]GGCCCACCCCAACTGCAAAAAGGGCCTTACGGCTCAGGTCCAGCAGCTCCTTCCCAAAGA-3'
Protein context (NP_003473.3, residues 1786-1806): RKALFAVGVG[Arg1796Gln]PSFGLGTPKA

ClinVar aggregate classification (germline): Conflicting classifications of pathogenicity. Review status: criteria provided, conflicting classifications (1 of 4 stars). 4 submissions from 4 submitters: Uncertain significance (2); Benign (1). 1 of the submissions does not count toward it. Last evaluated 2024-07-15.

Conditions:
Choanal atresia-athelia-hypothyroidism-delayed puberty-short stature syndrome (BCAHH). Also called: BRANCHIAL ARCH ABNORMALITIES, CHOANAL ATRESIA, ATHELIA, HEARING LOSS, AND HYPOTHYROIDISM SYNDROME. Identifiers: Orphanet 589856, MedGen C5680310, MONDO:0035651, OMIM 620186.
Kabuki syndrome 1 (KABUK1). Also called: KMT2D-Related Kabuki Syndrome. Identifiers: Orphanet 2322, MedGen CN030661, MONDO:0007843, OMIM 147920.
Kabuki syndrome. Also called: NIIKAWA-KUROKI SYNDROME; Kabuki make-up syndrome. Identifiers: Orphanet 2322, MedGen C0796004, MONDO:0016512.
KMT2D-related disorder. Also called: KMT2D-Related Disorders.

Allele frequency attached by ClinVar (database versions not stated): gnomAD exomes below 0.00001; TOPMed below 0.00001; gnomAD 0.00001.
gnomAD v4.1: 2 of 1,613,864 alleles (0.00012%); highest among the groups gnomAD compares: African/African-American, 0.0013%; no homozygotes.

Submissions (4):

Labcorp Genetics (formerly Invitae), Labcorp
Classification: Benign for Kabuki syndrome. Last evaluated: 2024-07-15. Review status: criteria provided, single submitter. Criteria: Invitae Variant Classification Sherloc (09022015). Collection method: clinical testing. Allele origin: germline.

Fulgent Genetics
Classification: Uncertain significance for Kabuki syndrome 1; Choanal atresia-athelia-hypothyroidism-delayed puberty-short stature syndrome. Last evaluated: 2024-03-22. Review status: criteria provided, single submitter. Criteria: ACMG Guidelines, 2015. Collection method: clinical testing. Allele origin: germline.

GeneDx
Classification: Uncertain significance. Last evaluated: 2023-09-28. Review status: criteria provided, single submitter. Criteria: GeneDx Variant Classification Process June 2021. Collection method: clinical testing. Allele origin: germline.
Comment: In silico analysis supports that this missense variant does not alter protein structure/function; Has not been previously published as pathogenic or benign to our knowledge

PreventionGenetics, part of Exact Sciences
Classification: Uncertain significance for KMT2D-related condition. Last evaluated: 2024-09-21. Review status: no assertion criteria provided. Collection method: clinical testing. Allele origin: germline. Not counted in ClinVar's aggregate classification.
Comment: The KMT2D c.5387G>A variant is predicted to result in the amino acid substitution p.Arg1796Gln. To our knowledge, this variant has not been reported in the literature. This variant is reported in 0.0065% of alleles in individuals of African descent in gnomAD. At this time, the clinical significance of this variant is uncertain due to the absence of conclusive functional and genetic evidence.